The following is an entry in ClinVar:

ClinVar aggregate classification (germline): Likely pathogenic (1 of 4 stars; one submission).

Conditions:
Congenital microcephaly - severe encephalopathy - progressive cerebral atrophy syndrome. Also called: ASNS DEFICIENCY; Asparagine synthetase deficiency. Identifiers: Orphanet 391376, MedGen C3809971, MONDO:0014258, OMIM 615574.

gnomAD v4.1: 6 of 1,611,764 alleles (0.00037%); highest among the groups gnomAD compares: Non-Finnish European, 0.00051%; no homozygotes.

Submission:

Myriad Genetics, Inc.
Classification: Likely pathogenic for Congenital microcephaly - severe encephalopathy - progressive cerebral atrophy syndrome. Last evaluated: 2025-06-04. Review status: criteria provided, single submitter. Criteria: Myriad Autosomal Dominant, Autosomal Recessive and X-Linked Classification Criteria (2023). Collection method: clinical testing. Allele origin: unknown.
Comment: NM_001673.4(ASNS):c.1238+1G>C is a variant in a canonical splice site classified as likely pathogenic in the context of asparagine synthetase deficiency. c.1238+1G>C has not been observed in cases with relevant disease. Relevant functional assessments of this variant are not available in the literature. c.1238+1G>C has not been observed in referenced population frequency databases. In summary, NM_001673.4(ASNS):c.1238+1G>C is a variant in a canonical splice site in a gene where loss of function is a known mechanism of disease and is predicted to disrupt protein function. Please note: this variant was assessed in the context of healthy population screening.

NM_001673.5(ASNS):c.1238+1G>C

Genes: ASNS (asparagine synthetase (glutamine-hydrolyzing); minus strand), CZ1P-ASNS (CZ1P-ASNS readthrough; minus strand). Cytogenetic location: 7q21.3.
Variant type: single nucleotide variant.
Coding change: c.1238+1G>C on transcript NM_001673.5 (MANE Select); the canonical splice donor site of the intron after coding-DNA position 1238, G replaced by C.
Molecular consequence: splice donor variant.
Genome position (GRCh38, 1-based): chr7:97,854,579, C>G on the plus strand (G>C on the coding strand, the complement: ASNS is on the minus strand). VCF-style: chr7-97854579-C-G. GRCh37 (hg19) VCF-style: chr7-97483891-C-G.
Other names: c.1238+1G>C (NM_001352496.2, NM_183356.4, NM_133436.3); c.989+1G>C (NM_001178076.2, NM_001178077.1); c.1175+1G>C (NM_001178075.2).
Identifiers: ClinVar variation 4081775 (VCV004081775.1).